The following is an entry in ClinVar:

NM_001851.6(COL9A1):c.619A>G (p.Lys207Glu)

Gene: COL9A1 (collagen type IX alpha 1 chain; minus strand). Cytogenetic location: 6q13.
Variant type: single nucleotide variant.
Coding change: c.619A>G on transcript NM_001851.6 (MANE Select); coding-DNA position 619, A replaced by G.
Protein change: p.Lys207Glu; replaces lysine 207 with glutamic acid.
Molecular consequence: missense variant.
Genome position (GRCh38, 1-based): chr6:70,294,244, T>C on the plus strand (A>G on the coding strand, the complement: COL9A1 is on the minus strand). VCF-style: chr6-70294244-T-C. GRCh37 (hg19) VCF-style: chr6-71003947-T-C.
Other names: c.619A>G, p.Lys207Glu (NM_001377291.1); short protein forms K207E.
Identifiers: ClinVar variation 2630150 (VCV002630150.1), dbSNP rs1019588572, ClinGen allele CA140824176.
Genomic context (GRCh38, chr6:70,294,244, plus strand): 5'-GATTATCTGCAAGTTTTCCCAGCACAGCAAAGCCATCAATGTCAATTGGGCCTCTTGGCT[T>C]TATAGGTAAAGATTCAATCCTGTTGCAGTCAACAAAAAGAGTAGCACTACTCCTCTCCAC-3'
Protein context (NP_001842.3, residues 197-217): DCNRIESLPI[Lys207Glu]PRGPIDIDGF

ClinVar aggregate classification (germline): Uncertain significance (1 of 4 stars; one submission).

Conditions:
COL9A1-related disorder. Also called: COL9A1-related condition; COL9A1-related disorders.

Allele frequency attached by ClinVar (database versions not stated): gnomAD 0.00001; gnomAD exomes 0.00001; TOPMed 0.00001.
gnomAD v4.1: 8 of 1,613,954 alleles (0.0005%); highest among the groups gnomAD compares: Non-Finnish European, 0.00059%; no homozygotes.

Submission:

PreventionGenetics, part of Exact Sciences
Classification: Uncertain significance for COL9A1-related condition. Last evaluated: 2023-01-24. Review status: criteria provided, single submitter. Criteria: ACMG Guidelines, 2015. Collection method: clinical testing. Allele origin: germline.
Comment: The COL9A1 c.619A>G variant is predicted to result in the amino acid substitution p.Lys207Glu. To our knowledge, this variant has not been reported in the literature or in a large population database, indicating this variant is rare. At this time, the clinical significance of this variant is uncertain due to the absence of conclusive functional and genetic evidence.